The following is an entry in ClinVar:

NM_015338.6(ASXL1):c.4280C>A (p.Pro1427His)

Gene: ASXL1 (ASXL transcriptional regulator 1; plus strand). Cytogenetic location: 20q11.21.
Variant type: single nucleotide variant.
Coding change: c.4280C>A on transcript NM_015338.6 (MANE Select); coding-DNA position 4280, C replaced by A.
Protein change: p.Pro1427His; replaces proline 1427 with histidine.
Molecular consequence: missense variant.
Genome position (GRCh38, 1-based): chr20:32,436,992, C>A. VCF-style: chr20-32436992-C-A. GRCh37 (hg19) VCF-style: chr20-31024795-C-A.
Other names: c.4097C>A, p.Pro1366His (NM_001363734.1); short protein forms P1366H, P1427H.
Identifiers: ClinVar variation 4588831 (VCV004588831.1).

ClinVar aggregate classification (germline): Uncertain significance (1 of 4 stars; one submission).

Conditions:
Inborn genetic diseases. Identifiers: MedGen C0950123, MeSH D030342.

Submission:

Ambry Genetics
Classification: Uncertain significance for Inborn genetic diseases. Last evaluated: 2025-11-29. Review status: criteria provided, single submitter. Criteria: Ambry Variant Classification Scheme 2023. Collection method: clinical testing. Allele origin: germline.
Comment: The p.P1427H variant (also known as c.4280C>A), located in coding exon 13 of the ASXL1 gene, results from a C to A substitution at nucleotide position 4280. The proline at codon 1427 is replaced by histidine, an amino acid with similar properties. This amino acid position is conserved. In addition, this alteration is predicted to be tolerated by in silico analysis. Based on the available evidence, the clinical significance of this variant remains unclear.